The following is an entry in ClinVar:

ClinVar aggregate classification (germline): Uncertain significance. Review status: criteria provided, multiple submitters, no conflicts (2 of 4 stars). 2 submissions from 2 submitters: Uncertain significance (2). Last evaluated 2025-01-06.

Conditions:
Inborn genetic diseases. Identifiers: MedGen C0950123, MeSH D030342.
Autosomal dominant nocturnal frontal lobe epilepsy 5. Also called: KCNT1-Related Epilepsy; CILIARY DYSKINESIA, PRIMARY, 28, WITH SITUS INVERSUS; CILIARY DYSKINESIA, PRIMARY, 28, WITHOUT SITUS INVERSUS; Epilepsy, nocturnal frontal lobe, 5. Identifiers: Orphanet 98784, MedGen C3554306, MONDO:0014002, OMIM 615005.
Developmental and epileptic encephalopathy, 14 (DEE14). Also called: Early infantile epileptic encephalopathy 14. Identifiers: Orphanet 293181, MedGen C3554195, MONDO:0013989, OMIM 614959.

Allele frequency attached by ClinVar (database versions not stated): TOPMed below 0.00001; ExAC 0.00001; gnomAD exomes 0.00001; ESP Exome Variant Server 0.00008.
gnomAD v4.1: 9 of 1,612,684 alleles (0.00056%); highest among the groups gnomAD compares: Non-Finnish European, 0.00076%; no homozygotes.

Submissions (2):

Labcorp Genetics (formerly Invitae), Labcorp
Classification: Uncertain significance for Autosomal dominant nocturnal frontal lobe epilepsy 5; Developmental and epileptic encephalopathy, 14. Last evaluated: 2025-01-06. Review status: criteria provided, single submitter. Criteria: Invitae Variant Classification Sherloc (09022015). Collection method: clinical testing. Allele origin: germline.
Comment: This sequence change replaces serine, which is neutral and polar, with asparagine, which is neutral and polar, at codon 1045 of the KCNT1 protein (p.Ser1045Asn). This variant is present in population databases (rs150501177, gnomAD 0.0009%). This variant has not been reported in the literature in individuals affected with KCNT1-related conditions. ClinVar contains an entry for this variant (Variation ID: 2923332). Invitae Evidence Modeling of protein sequence and biophysical properties (such as structural, functional, and spatial information, amino acid conservation, physicochemical variation, residue mobility, and thermodynamic stability) indicates that this missense variant is not expected to disrupt KCNT1 protein function with a negative predictive value of 80%. In summary, the available evidence is currently insufficient to determine the role of this variant in disease. Therefore, it has been classified as a Variant of Uncertain Significance.

Ambry Genetics
Classification: Uncertain significance for Inborn genetic diseases. Last evaluated: 2024-07-16. Review status: criteria provided, single submitter. Criteria: Ambry Variant Classification Scheme 2023. Collection method: clinical testing. Allele origin: germline.

NM_020822.3(KCNT1):c.3134G>A (p.Ser1045Asn)

Gene: KCNT1 (potassium sodium-activated channel subfamily T member 1; plus strand). Cytogenetic location: 9q34.3.
Variant type: single nucleotide variant.
Coding change: c.3134G>A on transcript NM_020822.3 (MANE Select); coding-DNA position 3134, G replaced by A.
Protein change: p.Ser1045Asn; replaces serine 1045 with asparagine.
Molecular consequence: missense variant.
Genome position (GRCh38, 1-based): chr9:135,784,867, G>A. VCF-style: chr9-135784867-G-A. GRCh37 (hg19) VCF-style: chr9-138676713-G-A.
Other names: c.3134G>A (NM_020822.2); c.2999G>A, p.Ser1000Asn (NM_001272003.2); short protein forms S1000N, S1045N.
Identifiers: ClinVar variation 2923332 (VCV002923332.4), dbSNP rs150501177, ClinGen allele CA5327622.